The following is an entry in ClinVar:

ClinVar aggregate classification (germline): Pathogenic (1 of 4 stars; one submission).

Conditions:
Familial focal epilepsy with variable foci (FPEVF). Identifiers: Orphanet 98820, MedGen C1858477, MONDO:0020310.

Submission:

Labcorp Genetics (formerly Invitae), Labcorp
Classification: Pathogenic for Familial focal epilepsy with variable foci. Last evaluated: 2021-11-08. Review status: criteria provided, single submitter. Criteria: Invitae Variant Classification Sherloc (09022015). Collection method: clinical testing. Allele origin: germline.
Comment: This variant is a gross deletion of the genomic region encompassing exon(s) 42-43 of the DEPDC5 gene, which includes the termination codon. This deletion extends beyond the assayed region for this gene and therefore may encompass additional genes. While this deletion is not anticipated to lead to nonsense mediated decay, it is expected to alter mRNA translation or result in a truncated protein product. This variant has not been reported in the literature in individuals affected with DEPDC5-related conditions. This variant disrupts a region of the DEPDC5 protein in which other variant(s) (p.Gln1536*) have been determined to be pathogenic (PMID: 23542697, 25366275). This suggests that this is a clinically significant region of the protein, and that variants that disrupt it are likely to be disease-causing. For these reasons, this variant has been classified as Pathogenic.

Literature cited by the submitters: PubMed 23542697; PubMed 25366275.

NC_000022.10:g.(?_32301950)_(32302483_?)del

Gene: DEPDC5 (DEP domain containing 5, GATOR1 subcomplex subunit; plus strand). Cytogenetic location: 22q12.3.
Variant type: Deletion.
Identifiers: ClinVar variation 2424005 (VCV002424005.3).